The following is an entry in ClinVar:

NM_001184.4(ATR):c.4660G>T (p.Ala1554Ser)

Gene: ATR (ATR checkpoint kinase; minus strand). Cytogenetic location: 3q23.
Variant type: single nucleotide variant.
Coding change: c.4660G>T on transcript NM_001184.4 (MANE Select); coding-DNA position 4660, G replaced by T.
Protein change: p.Ala1554Ser; replaces alanine 1554 with serine.
Molecular consequence: missense variant.
Genome position (GRCh38, 1-based): chr3:142,512,452, C>A on the plus strand (G>T on the coding strand, the complement: ATR is on the minus strand). VCF-style: chr3-142512452-C-A. GRCh37 (hg19) VCF-style: chr3-142231294-C-A.
Other names: c.4468G>T, p.Ala1490Ser (NM_001354579.2); short protein forms A1554S, A1490S.
Identifiers: ClinVar variation 2453526 (VCV002453526.2), dbSNP rs2108372577, ClinGen allele CA354795875.

ClinVar aggregate classification (germline): Uncertain significance (1 of 4 stars; one submission).

Conditions:
Inborn genetic diseases. Identifiers: MedGen C0950123, MeSH D030342.

Submission:

Ambry Genetics
Classification: Uncertain significance for Inborn genetic diseases. Last evaluated: 2022-11-20. Review status: criteria provided, single submitter. Criteria: Ambry Variant Classification Scheme 2023. Collection method: clinical testing. Allele origin: germline.
Comment: The p.A1554S variant (also known as c.4660G>T), located in coding exon 27 of the ATR gene, results from a G to T substitution at nucleotide position 4660. The alanine at codon 1554 is replaced by serine, an amino acid with similar properties. This amino acid position is conserved. In addition, this alteration is predicted to be tolerated by in silico analysis. Since supporting evidence is limited at this time, the clinical significance of this alteration remains unclear.